The following is an entry in ClinVar:

NM_001805.4(CEBPE):c.502G>A (p.Val168Ile)

Gene: CEBPE (CCAAT enhancer binding protein epsilon; minus strand). Cytogenetic location: 14q11.2.
Variant type: single nucleotide variant.
Coding change: c.502G>A on transcript NM_001805.4 (MANE Select); coding-DNA position 502, G replaced by A.
Protein change: p.Val168Ile; replaces valine 168 with isoleucine.
Molecular consequence: missense variant.
Genome position (GRCh38, 1-based): chr14:23,118,590, C>T on the plus strand (G>A on the coding strand, the complement: CEBPE is on the minus strand). VCF-style: chr14-23118590-C-T. GRCh37 (hg19) VCF-style: chr14-23587799-C-T.
Other names: short protein forms V168I.
Identifiers: ClinVar variation 657093 (VCV000657093.8), dbSNP rs371549805, ClinGen allele CA7111191.
Genomic context (GRCh38, chr14:23,118,590, plus strand): 5'-CACCAGCCTCTCCAGCCCCGGGCAGGAGGGAGGAGGGCTGGCCTGCTCTTACCTTGAGAA[C>T]GCGCAGAGGCTGGCCGGGTGCTGCCAGAGTTGGGGGCAGGTGCATGGCTGTCTGCCCACA-3'
Protein context (NP_001796.2, residues 158-178): TLAAPGQPLR[Val168Ile]LKAPLATAAP

ClinVar aggregate classification (germline): Uncertain significance. Review status: criteria provided, multiple submitters, no conflicts (2 of 4 stars). 2 submissions from 2 submitters: Uncertain significance (2). Last evaluated 2025-12-08.

Conditions:
Specific granule deficiency. Identifiers: Orphanet 169142, MedGen C0398593, MONDO:0009506.

Allele frequency attached by ClinVar (database versions not stated): gnomAD 0.00006; TOPMed 0.00011; ExAC 0.00014; gnomAD exomes 0.00014; ESP Exome Variant Server 0.00015.
gnomAD v4.1: 153 of 1,608,086 alleles (0.0095%); highest among the groups gnomAD compares: Admixed American, 0.035%; no homozygotes.

Submissions (2):

Labcorp Genetics (formerly Invitae), Labcorp
Classification: Uncertain significance for Specific granule deficiency. Last evaluated: 2025-12-08. Review status: criteria provided, single submitter. Criteria: Invitae Variant Classification Sherloc (09022015). Collection method: clinical testing. Allele origin: germline.
Comment: This sequence change replaces valine, which is neutral and non-polar, with isoleucine, which is neutral and non-polar, at codon 168 of the CEBPE protein (p.Val168Ile). This variant is present in population databases (rs371549805, gnomAD 0.05%). This variant has not been reported in the literature in individuals affected with CEBPE-related conditions. ClinVar contains an entry for this variant (Variation ID: 657093). An algorithm developed to predict the effect of missense changes on protein structure and function outputs the following: PolyPhen-2: "Probably Damaging". The isoleucine amino acid residue is found in multiple mammalian species, which suggests that this missense change does not adversely affect protein function. In summary, the available evidence is currently insufficient to determine the role of this variant in disease. Therefore, it has been classified as a Variant of Uncertain Significance.

Women's Health and Genetics/Laboratory Corporation of America, LabCorp
Classification: Uncertain significance. Last evaluated: 2025-04-08. Review status: criteria provided, single submitter. Criteria: LabCorp Variant Classification Summary - May 2015. Collection method: clinical testing. Allele origin: germline.
Comment: Variant summary: CEBPE c.502G>A (p.Val168Ile) results in a conservative amino acid change in the encoded protein sequence. Three of five in-silico tools predict a benign effect of the variant on protein function. The variant allele was found at a frequency of 0.00014 in 240250 control chromosomes. This frequency is not significantly higher than estimated for a pathogenic variant in CEBPE causing Specific granule deficiency 1 AR, allowing no conclusion about variant significance. To our knowledge, no occurrence of c.502G>A in individuals affected with Specific granule deficiency 1 AR and no experimental evidence demonstrating its impact on protein function have been reported. ClinVar contains an entry for this variant (Variation ID: 657093). Based on the evidence outlined above, the variant was classified as uncertain significance.